The following is an entry in ClinVar:

NM_004656.4(BAP1):c.1035G>C (p.Gly345=)

Gene: BAP1 (BRCA1 associated deubiquitinase 1; minus strand). Cytogenetic location: 3p21.1.
Variant type: single nucleotide variant.
Coding change: c.1035G>C on transcript NM_004656.4 (MANE Select); coding-DNA position 1035, G replaced by C.
Protein change: p.Gly345=; no amino-acid change (glycine 345 retained).
Molecular consequence: synonymous variant.
Genome position (GRCh38, 1-based): chr3:52,405,191, C>G on the plus strand (G>C on the coding strand, the complement: BAP1 is on the minus strand). VCF-style: chr3-52405191-C-G. GRCh37 (hg19) VCF-style: chr3-52439207-C-G.
Other names: c.1035G>C (LRG_529t1).
Identifiers: ClinVar variation 240041 (VCV000240041.58), dbSNP rs369744075, ClinGen allele CA2436935.
Genomic context (GRCh38, chr3:52,405,191, plus strand): 5'-ATTGTGATTGTCTAGAAAGGCCGGCAGCCGCTGGACAATGGGAGTGGGGTTGGGGTGAAC[C>G]CCATTGAGGCTGCTGCCTGGAGGCTTCACCACTAGCTTGGGTTTGTTGGGAGGGCTGTGG-3'
Protein context (NP_004647.1, residues 335-355): VVKPPGSSLN[Gly345=]VHPNPTPIVQ

ClinVar aggregate classification (germline): Conflicting classifications of pathogenicity. Review status: criteria provided, conflicting classifications (1 of 4 stars). 12 submissions from 12 submitters: Uncertain significance (1); Benign (4); Likely benign (6). 1 of the submissions does not count toward it. Last evaluated 2026-01-28.

Conditions:
BAP1-related tumor predisposition syndrome (TPDS1). Also called: BAP1 tumor predisposition syndrome; Tumor susceptibility linked to germline BAP1 mutations; COMMON Syndrome; TUMOR PREDISPOSITION SYNDROME 1. Identifiers: Orphanet 289539, MedGen C3280492, MONDO:0013692, OMIM 614327.
Hereditary cancer-predisposing syndrome. Also called: Tumor predisposition; Hereditary Cancer Syndrome; Neoplastic Syndromes, Hereditary; Hereditary neoplastic syndrome. Identifiers: Orphanet 140162, MedGen C0027672, MeSH D009386, MONDO:0015356.

Allele frequency attached by ClinVar (database versions not stated): gnomAD exomes 0.00032; ExAC 0.00034; gnomAD 0.00034 and 0.00035; TOPMed 0.00034; ESP Exome Variant Server 0.00054.
gnomAD v4.1: 1,114 of 1,613,978 alleles (0.069%); highest among the groups gnomAD compares: Non-Finnish European, 0.084%; 1 homozygote.

Submissions (12):

Labcorp Genetics (formerly Invitae), Labcorp
Classification: Likely benign for BAP1-related tumor predisposition syndrome. Last evaluated: 2026-01-28. Review status: criteria provided, single submitter. Criteria: Invitae Variant Classification Sherloc (09022015). Collection method: clinical testing. Allele origin: germline.

CeGaT Center for Human Genetics Tuebingen
Classification: Likely benign. Last evaluated: 2025-09-01. Review status: criteria provided, single submitter. Criteria: CeGaT Center For Human Genetics Tuebingen Variant Classification Criteria Version 2. Collection method: clinical testing. Allele origin: germline. Affected: yes. Observed: 4 variant alleles.
Comment: BAP1: BP4, BP7

Center for Genomic Medicine, Rigshospitalet, Copenhagen University Hospital
Classification: Likely benign. Last evaluated: 2025-03-04. Review status: criteria provided, single submitter. Criteria: ACMG Guidelines, 2015. Collection method: clinical testing. Allele origin: germline.

Myriad Genetics, Inc.
Classification: Benign for BAP1-related tumor predisposition syndrome. Last evaluated: 2024-07-15. Review status: criteria provided, single submitter. Criteria: Myriad Autosomal Dominant, Autosomal Recessive and X-Linked Classification Criteria (2023). Collection method: clinical testing. Allele origin: unknown.
Comment: This variant is considered benign. This variant is a silent/synonymous amino acid change and it is not expected to impact splicing.

Quest Diagnostics Nichols Institute San Juan Capistrano
Classification: Likely benign. Last evaluated: 2023-07-03. Review status: criteria provided, single submitter. Criteria: Quest Diagnostics criteria. Collection method: clinical testing. Allele origin: unknown.

Sema4
Classification: Benign for Hereditary cancer-predisposing syndrome. Last evaluated: 2021-06-25. Review status: criteria provided, single submitter. Criteria: Sema4 Curation Guidelines. Collection method: curation. Allele origin: germline.

GeneDx
Classification: Likely benign. Last evaluated: 2021-01-28. Review status: criteria provided, single submitter. Criteria: GeneDx Variant Classification Process June 2021. Collection method: clinical testing. Allele origin: germline. Affected: yes.

Eurofins Ntd Llc (ga)
Classification: Uncertain significance. Last evaluated: 2018-05-29. Review status: criteria provided, single submitter. Criteria: EGL ClinVar v180209 classification definitions. Collection method: clinical testing. Allele origin: germline. Observed: 1 variant allele, 1 heterozygote.

Illumina Laboratory Services, Illumina
Classification: Benign for BAP1-related tumor predisposition syndrome. Last evaluated: 2018-01-12. Review status: criteria provided, single submitter. Criteria: ICSL Variant Classification Criteria 13 December 2019. Collection method: clinical testing. Allele origin: germline.
Comment: This variant was observed in the ICSL laboratory as part of a predisposition screen in an ostensibly healthy population. It had not been previously curated by ICSL or reported in the Human Gene Mutation Database (HGMD: prior to June 1st, 2018), and was therefore a candidate for classification through an automated scoring system. Utilizing variant allele frequency, disease prevalence and penetrance estimates, and inheritance mode, an automated score was calculated to assess if this variant is too frequent to cause the disease. Based on the score and internal cut-off values, a variant classified as benign is not then subjected to further curation. The score for this variant resulted in a classification of benign for this disease.

Color Diagnostics, LLC DBA Color Health
Classification: Benign for Hereditary cancer-predisposing syndrome. Last evaluated: 2016-07-20. Review status: criteria provided, single submitter. Criteria: ACMG Guidelines, 2015. Collection method: clinical testing. Allele origin: germline.

Ambry Genetics
Classification: Likely benign for Hereditary cancer-predisposing syndrome. Last evaluated: 2015-06-05. Review status: criteria provided, single submitter. Criteria: Ambry Variant Classification Scheme 2023. Collection method: clinical testing. Allele origin: germline.

Genetic Services Laboratory, University of Chicago
Classification: Likely benign. Last evaluated: 2022-05-17. Review status: no assertion criteria provided. Collection method: clinical testing. Allele origin: germline. Affected: no. Not counted in ClinVar's aggregate classification.